The following is an entry in ClinVar:

ClinVar aggregate classification (germline): Likely benign (1 of 4 stars; one submission).

Allele frequency attached by ClinVar (database versions not stated): 1000 Genomes Project 0.00080; 1000 Genomes Project 30x 0.00109; ExAC 0.00203; TOPMed 0.00219; gnomAD 0.00222; ESP Exome Variant Server 0.00269; gnomAD exomes 0.00373.
gnomAD v4.1: 5,669 of 1,614,000 alleles (0.35%); highest among the groups gnomAD compares: Non-Finnish European, 0.45%; 19 homozygotes.

Submission:

CeGaT Center for Human Genetics Tuebingen
Classification: Likely benign. Last evaluated: 2023-01-01. Review status: criteria provided, single submitter. Criteria: CeGaT Center For Human Genetics Tuebingen Variant Classification Criteria Version 2. Collection method: clinical testing. Allele origin: germline. Affected: yes. Observed: 1 variant allele.
Comment: OTOP3: BP4, BP7

NM_001272005.2(OTOP3):c.327G>A (p.Thr109=)

Gene: OTOP3 (otopetrin 3; plus strand). Cytogenetic location: 17q25.1.
Variant type: single nucleotide variant.
Coding change: c.327G>A on transcript NM_001272005.2 (MANE Select); coding-DNA position 327, G replaced by A.
Protein change: p.Thr109=; no amino-acid change (threonine 109 retained).
Molecular consequence: synonymous variant.
Genome position (GRCh38, 1-based): chr17:74,941,700, G>A. VCF-style: chr17-74941700-G-A. GRCh37 (hg19) VCF-style: chr17-72937795-G-A.
Other names: c.381G>A, p.Thr127= (NM_178233.2).
Identifiers: ClinVar variation 2648244 (VCV002648244.24), dbSNP rs72844519, ClinGen allele CA8754800.
Genomic context (GRCh38, chr17:74,941,700, plus strand): 5'-CAGCATGATCTTCAACAAGGTGGCCGTCACTCTGGGTGACGTGTGGATCCTGCTGGCCAC[G>A]CTGAAGGTCCTCTCCCTGCTTTGGCTTCTCTACTATGTGGCAAGCACCACCCGCCGACCA-3'
Protein context (NP_001258934.1, residues 99-119): TLGDVWILLA[Thr109=]LKVLSLLWLL